The following is an entry in ClinVar:

ClinVar aggregate classification (germline): Uncertain significance. Review status: criteria provided, multiple submitters, no conflicts (2 of 4 stars). 2 submissions from 2 submitters: Uncertain significance (2). Last evaluated 2025-09-12.

Conditions:
EGFR-related lung cancer (EGFR). Identifiers: MedGen CN130014.
Hereditary cancer-predisposing syndrome. Also called: Tumor predisposition; Hereditary Cancer Syndrome; Hereditary neoplastic syndrome; Neoplastic Syndromes, Hereditary. Identifiers: Orphanet 140162, MedGen C0027672, MeSH D009386, MONDO:0015356.

Submissions (2):

Ambry Genetics
Classification: Uncertain significance for Hereditary cancer-predisposing syndrome. Last evaluated: 2025-09-12. Review status: criteria provided, single submitter. Criteria: Ambry Variant Classification Scheme 2023. Collection method: clinical testing. Allele origin: germline.
Comment: The c.3162G>T variant (also known as p.G1054G) is located in coding exon 26 of the EGFR gene. This variant results from a G to T substitution at nucleotide position 3162. This nucleotide substitution does not change the amino acid at codon 1054. However, this change occurs in the last base pair of coding exon 26, which makes it likely to have some effect on normal mRNA splicing. This nucleotide position is highly conserved in available vertebrate species. In silico splice site analysis predicts that this alteration may weaken the native splice donor site. Based on the available evidence, the clinical significance of this variant remains unclear.

Labcorp Genetics (formerly Invitae), Labcorp
Classification: Uncertain significance for EGFR-related lung cancer. Last evaluated: 2022-11-26. Review status: criteria provided, single submitter. Criteria: Invitae Variant Classification Sherloc (09022015). Collection method: clinical testing. Allele origin: germline.
Comment: This sequence change affects codon 1054 of the EGFR mRNA. It is a 'silent' change, meaning that it does not change the encoded amino acid sequence of the EGFR protein. This variant also falls at the last nucleotide of exon 26, which is part of the consensus splice site for this exon. This variant is not present in population databases (gnomAD no frequency). This variant has not been reported in the literature in individuals affected with EGFR-related conditions. Variants that disrupt the consensus splice site are a relatively common cause of aberrant splicing (PMID: 17576681, 9536098). Algorithms developed to predict the effect of sequence changes on RNA splicing suggest that this variant may disrupt the consensus splice site. In summary, the available evidence is currently insufficient to determine the role of this variant in disease. Therefore, it has been classified as a Variant of Uncertain Significance.

Literature cited by the submitters: PubMed 17576681 (cited by Labcorp Genetics (formerly Invitae), Labcorp); PubMed 9536098 (cited by Labcorp Genetics (formerly Invitae), Labcorp).

NM_005228.5(EGFR):c.3162G>T (p.Gly1054=)

Gene: EGFR (epidermal growth factor receptor; plus strand). Cytogenetic location: 7p11.2.
Variant type: single nucleotide variant.
Coding change: c.3162G>T on transcript NM_005228.5 (MANE Select); coding-DNA position 3162, G replaced by T.
Protein change: p.Gly1054=; no amino-acid change (glycine 1054 retained).
Molecular consequence: synonymous variant.
Genome position (GRCh38, 1-based): chr7:55,201,782, G>T. VCF-style: chr7-55201782-G-T. GRCh37 (hg19) VCF-style: chr7-55269475-G-T.
Other names: c.3027G>T, p.Gly1009= (NM_001346897.2, NM_001346899.2); c.3162G>T, p.Gly1054= (NM_001346898.2); c.3003G>T, p.Gly1001= (NM_001346900.2); c.2361G>T, p.Gly787= (NM_001346941.2).
Identifiers: ClinVar variation 2089396 (VCV002089396.5), dbSNP rs987532315, ClinGen allele CA454969161.